The following is an entry in ClinVar:

ClinVar aggregate classification (germline): Uncertain significance (1 of 4 stars; one submission).

Conditions:
Cognitive impairment - coarse facies - heart defects - obesity - pulmonary involvement - short stature - skeletal dysplasia syndrome. Also called: COGNITIVE IMPAIRMENT, COARSE FACIES, HEART DEFECTS, OBESITY, PULMONARY INVOLVEMENT, SHORT STATURE, AND SKELETAL DYSPLASIA; Chops syndrome; AFF4-Related CHOPS Syndrome. Identifiers: Orphanet 444077, MedGen C4085597, MONDO:0014609, OMIM 616368.

Submission:

Labcorp Genetics (formerly Invitae), Labcorp
Classification: Uncertain significance for Cognitive impairment - coarse facies - heart defects - obesity - pulmonary involvement - short stature - skeletal dysplasia syndrome. Last evaluated: 2025-10-15. Review status: criteria provided, single submitter. Criteria: Invitae Variant Classification Sherloc (09022015). Collection method: clinical testing. Allele origin: germline.
Comment: This sequence change replaces lysine, which is basic and polar, with glutamic acid, which is acidic and polar, at codon 742 of the AFF4 protein (p.Lys742Glu). This variant is present in population databases (no rsID available, gnomAD no frequency). This variant has not been reported in the literature in individuals affected with AFF4-related conditions. ClinVar contains an entry for this variant (Variation ID: 3697369). Invitae Evidence Modeling of protein sequence and biophysical properties (such as structural, functional, and spatial information, amino acid conservation, physicochemical variation, residue mobility, and thermodynamic stability) indicates that this missense variant is not expected to disrupt AFF4 protein function with a negative predictive value of 80%. In summary, the available evidence is currently insufficient to determine the role of this variant in disease. Therefore, it has been classified as a Variant of Uncertain Significance.

NM_014423.4(AFF4):c.2224A>G (p.Lys742Glu)

Gene: AFF4 (ALF transcription elongation factor 4; minus strand). Cytogenetic location: 5q31.1.
Variant type: single nucleotide variant.
Coding change: c.2224A>G on transcript NM_014423.4 (MANE Select); coding-DNA position 2224, A replaced by G.
Protein change: p.Lys742Glu; replaces lysine 742 with glutamic acid.
Molecular consequence: missense variant.
Genome position (GRCh38, 1-based): chr5:132,896,406, T>C on the plus strand (A>G on the coding strand, the complement: AFF4 is on the minus strand). VCF-style: chr5-132896406-T-C. GRCh37 (hg19) VCF-style: chr5-132232098-T-C.
Other names: short protein forms K742E.
Identifiers: ClinVar variation 3697369 (VCV003697369.2).